The following is an entry in ClinVar:

ClinVar aggregate classification (germline): Benign/Likely benign. Review status: criteria provided, multiple submitters, no conflicts (2 of 4 stars). 2 submissions from 2 submitters: Benign (1); Likely benign (1). Last evaluated 2025-12-09.

Conditions:
Familial adenomatous polyposis 1 (FAP1). Also called: POLYPOSIS, ADENOMATOUS INTESTINAL; FAMILIAL ADENOMATOUS POLYPOSIS 1, ATTENUATED. Identifiers: MedGen C2713442, MONDO:0021056, OMIM 175100. Disease mechanism: loss of function.

Submissions (2):

Labcorp Genetics (formerly Invitae), Labcorp
Classification: Likely benign for Familial adenomatous polyposis 1. Last evaluated: 2025-12-09. Review status: criteria provided, single submitter. Criteria: Invitae Variant Classification Sherloc (09022015). Collection method: clinical testing. Allele origin: germline.

Myriad Genetics, Inc.
Classification: Benign for Familial adenomatous polyposis 1. Last evaluated: 2024-04-15. Review status: criteria provided, single submitter. Criteria: Myriad Autosomal Dominant, Autosomal Recessive and X-Linked Classification Criteria (2023). Collection method: clinical testing. Allele origin: unknown.
Comment: This variant is considered benign. This variant is a silent/synonymous amino acid change and it is not expected to impact splicing.

NM_000038.6(APC):c.8376A>G (p.Lys2792=)

Gene: APC (APC regulator of Wnt signaling pathway; plus strand). Cytogenetic location: 5q22.2.
Variant type: single nucleotide variant.
Coding change: c.8376A>G on transcript NM_000038.6 (MANE Select); coding-DNA position 8376, A replaced by G.
Protein change: p.Lys2792=; no amino-acid change (lysine 2792 retained).
Molecular consequence: synonymous variant. On other transcripts: non-coding transcript variant (2).
Genome position (GRCh38, 1-based): chr5:112,843,970, A>G. VCF-style: chr5-112843970-A-G. GRCh37 (hg19) VCF-style: chr5-112179667-A-G.
Other names: c.8199A>G, p.Lys2733= (NM_001354901.2, NM_001407453.1); c.8103A>G, p.Lys2701= (NM_001354902.2); c.8073A>G, p.Lys2691= (NM_001354903.2, NM_001407458.1, NM_001407459.1 and 1 more transcripts); c.7998A>G, p.Lys2666= (NM_001354904.2); c.7896A>G, p.Lys2632= (NM_001354905.2); c.7527A>G, p.Lys2509= (NM_001354906.2, NM_001407470.1); c.8460A>G, p.Lys2820= (NM_001407446.1); c.8430A>G, p.Lys2810= (NM_001407447.1, NM_001407448.1, NM_001407449.1 and 1 more transcripts); and 11 more.
Identifiers: ClinVar variation 3253784 (VCV003253784.2), dbSNP rs1766725841.
Genomic context (GRCh38, chr5:112,843,970, plus strand): 5'-ACCTAGTGGGACTGTTGCTGCCAGAGTGACTCCTTTTAATTACAACCCAAGCCCTAGGAA[A>G]AGCAGCGCAGATAGCACTTCAGCTCGGCCATCTCAGATCCCAACTCCAGTGAATAACAAC-3'
Protein context (NP_000029.2, residues 2782-2802): TPFNYNPSPR[Lys2792=]SSADSTSARP